The following is an entry in ClinVar:

ClinVar aggregate classification (germline): Conflicting classifications of pathogenicity. Review status: criteria provided, conflicting classifications (1 of 4 stars). 3 submissions from 3 submitters: Uncertain significance (1); Likely benign (1). 1 of the submissions does not count toward it. Last evaluated 2025-12-01.

Conditions:
Cardiomyopathy (CMYO). Also called: Cardiomyopathies. Identifiers: Orphanet 167848, MedGen C0878544, MONDO:0004994, HP:0001638. Inheritance: Various modes of inheritance.
Hypertrophic cardiomyopathy. Also called: HYPERTROPHIC MYOCARDIOPATHY. Identifiers: Orphanet 217569, MedGen C0007194, MeSH D002312, MONDO:0005045, HP:0001639.

Allele frequency attached by ClinVar (database versions not stated): gnomAD exomes below 0.00001 and 0.00001; TOPMed below 0.00001; ExAC 0.00001; gnomAD 0.00001.
gnomAD v4.1: 3 of 1,602,976 alleles (0.00019%); highest among the groups gnomAD compares: South Asian, 0.0011%; no homozygotes.

Submissions (3):

Labcorp Genetics (formerly Invitae), Labcorp
Classification: Uncertain significance for Hypertrophic cardiomyopathy. Last evaluated: 2025-12-01. Review status: criteria provided, single submitter. Criteria: Invitae Variant Classification Sherloc (09022015). Collection method: clinical testing. Allele origin: germline.
Comment: This sequence change falls in intron 31 of the MYBPC3 gene. It does not directly change the encoded amino acid sequence of the MYBPC3 protein. It affects a nucleotide within the consensus splice site. This variant is present in population databases (rs397516021, gnomAD 0.004%). This variant has not been reported in the literature in individuals affected with MYBPC3-related conditions. ClinVar contains an entry for this variant (Variation ID: 42716). Variants that disrupt the consensus splice site are a relatively common cause of aberrant splicing (PMID: 17576681, 9536098). Algorithms developed to predict the effect of sequence changes on RNA splicing suggest that this variant is not likely to affect RNA splicing. In summary, the available evidence is currently insufficient to determine the role of this variant in disease. Therefore, it has been classified as a Variant of Uncertain Significance.

Color Diagnostics, LLC DBA Color Health
Classification: Likely benign for Cardiomyopathy. Last evaluated: 2018-11-20. Review status: criteria provided, single submitter. Criteria: ACMG Guidelines, 2015. Collection method: clinical testing. Allele origin: germline.

Laboratory for Molecular Medicine, Mass General Brigham Personalized Medicine
Classification: Uncertain significance. Last evaluated: 2009-08-31. Review status: no assertion criteria provided. Collection method: clinical testing. Allele origin: germline. Observed: 1 variant allele. Not counted in ClinVar's aggregate classification.

Literature cited by the submitters: PubMed 17576681 (cited by Labcorp Genetics (formerly Invitae), Labcorp); PubMed 9536098 (cited by Labcorp Genetics (formerly Invitae), Labcorp).

NM_000256.3(MYBPC3):c.3490+6G>A

Gene: MYBPC3 (myosin binding protein C3; minus strand). Cytogenetic location: 11p11.2.
Variant type: single nucleotide variant.
Coding change: c.3490+6G>A on transcript NM_000256.3 (MANE Select); 6 bases into the intron after coding-DNA position 3490, G replaced by A.
Molecular consequence: intron variant.
Genome position (GRCh38, 1-based): chr11:47,332,808, C>T on the plus strand (G>A on the coding strand, the complement: MYBPC3 is on the minus strand). VCF-style: chr11-47332808-C-T. GRCh37 (hg19) VCF-style: chr11-47354359-C-T.
Identifiers: ClinVar variation 42716 (VCV000042716.10), dbSNP rs397516021, ClinGen allele CA014248.